The following is an entry in ClinVar:

ClinVar aggregate classification (germline): Uncertain significance (1 of 4 stars; one submission).

Conditions:
Glycogen storage disease type X (GSD10). Also called: MYOPATHY DUE TO PHOSPHOGLYCERATE MUTASE DEFICIENCY; PGAMM DEFICIENCY; PHOSPHOGLYCERATE MUTASE, MUSCLE, DEFICIENCY OF; Dimauro disease; Glycogen storage disease due to phosphoglycerate mutase deficiency; GSD X. Identifiers: Orphanet 97234, MedGen C0268149, MONDO:0009865, OMIM 261670.

Allele frequency attached by ClinVar (database versions not stated): gnomAD 0.00001; TOPMed 0.00002; ExAC 0.00004.
gnomAD v4.1: 13 of 1,614,008 alleles (0.00081%); highest among the groups gnomAD compares: South Asian, 0.0044%; no homozygotes.

Submission:

Labcorp Genetics (formerly Invitae), Labcorp
Classification: Uncertain significance for Glycogen storage disease type X. Last evaluated: 2021-09-01. Review status: criteria provided, single submitter. Criteria: Invitae Variant Classification Sherloc (09022015). Collection method: clinical testing. Allele origin: germline.
Comment: This sequence change replaces alanine with valine at codon 204 of the PGAM2 protein (p.Ala204Val). The alanine residue is moderately conserved and there is a small physicochemical difference between alanine and valine. This variant is present in population databases (rs747760221, ExAC 0.007%). This variant has not been reported in the literature in individuals affected with PGAM2-related conditions. Algorithms developed to predict the effect of missense changes on protein structure and function (SIFT, PolyPhen-2, Align-GVGD) all suggest that this variant is likely to be tolerated. Algorithms developed to predict the effect of sequence changes on RNA splicing suggest that this variant may create or strengthen a splice site. In summary, the available evidence is currently insufficient to determine the role of this variant in disease. Therefore, it has been classified as a Variant of Uncertain Significance.

NM_000290.4(PGAM2):c.611C>T (p.Ala204Val)

Genes: PGAM2 (phosphoglycerate mutase 2; minus strand), DBNL (drebrin like; plus strand). Cytogenetic location: 7p13.
Variant type: single nucleotide variant.
Coding change: c.611C>T on transcript NM_000290.4 (MANE Select); coding-DNA position 611, C replaced by T.
Protein change: p.Ala204Val; replaces alanine 204 with valine.
Molecular consequence: missense variant. On other transcripts: 3 prime UTR variant (6).
Genome position (GRCh38, 1-based): chr7:44,062,915, G>A on the plus strand (C>T on the coding strand, the complement: PGAM2 is on the minus strand). VCF-style: chr7-44062915-G-A. GRCh37 (hg19) VCF-style: chr7-44102514-G-A.
Other names: c.*1999G>A (NM_001014436.3, NM_001122956.2, NM_001284313.2 and 3 more transcripts); short protein forms A204V.
Identifiers: ClinVar variation 665136 (VCV000665136.8), dbSNP rs747760221, ClinGen allele CA4236509.